The following is an entry in ClinVar:

ClinVar aggregate classification (germline): Uncertain significance (1 of 4 stars; one submission).

Submission:

Greenwood Genetic Center Diagnostic Laboratories, Greenwood Genetic Center
Classification: Uncertain significance. Last evaluated: 2021-09-09. Review status: criteria provided, single submitter. Criteria: ACMG Guidelines, 2015. Collection method: clinical testing. Allele origin: germline. Affected: yes.
Comment: PP3, PM2

NM_001365902.3(NFIX):c.827A>T (p.Lys276Met)

Gene: NFIX (nuclear factor I X; plus strand). Cytogenetic location: 19p13.13.
Variant type: single nucleotide variant.
Coding change: c.827A>T on transcript NM_001365902.3 (MANE Select); coding-DNA position 827, A replaced by T.
Protein change: p.Lys276Met; replaces lysine 276 with methionine.
Molecular consequence: missense variant.
Genome position (GRCh38, 1-based): chr19:13,075,543, A>T. VCF-style: chr19-13075543-A-T. GRCh37 (hg19) VCF-style: chr19-13186357-A-T.
Other names: c.851A>T, p.Lys284Met (NM_001271043.2); c.803A>T, p.Lys268Met (NM_001271044.3, NM_001378404.1); c.827A>T, p.Lys276Met (NM_001365982.2, NM_002501.4); c.686A>T, p.Lys229Met (NM_001365983.2); c.824A>T, p.Lys275Met (NM_001365984.2, NM_001365985.2); c.875A>T, p.Lys292Met (NM_001378405.1); short protein forms K229M, K268M, K275M, K276M, K284M, K292M.
Identifiers: ClinVar variation 1334585 (VCV001334585.4), dbSNP rs2145442347, ClinGen allele CA404297014.